The following is an entry in ClinVar:

NM_001164508.2(NEB):c.17009G>T (p.Ser5670Ile)

Gene: NEB (nebulin; minus strand). Cytogenetic location: 2q23.3.
Variant type: single nucleotide variant.
Coding change: c.17009G>T on transcript NM_001164508.2 (MANE Select); coding-DNA position 17009, G replaced by T.
Protein change: p.Ser5670Ile; replaces serine 5670 with isoleucine.
Molecular consequence: missense variant.
Genome position (GRCh38, 1-based): chr2:151,575,699, C>A on the plus strand (G>T on the coding strand, the complement: NEB is on the minus strand). VCF-style: chr2-151575699-C-A. GRCh37 (hg19) VCF-style: chr2-152432213-C-A.
Other names: c.17009G>T, p.Ser5670Ile (NM_001164507.2, NM_001271208.2); c.11906G>T, p.Ser3969Ile (NM_004543.5); short protein forms S3969I, S5670I.
Identifiers: ClinVar variation 3692118 (VCV003692118.2).

ClinVar aggregate classification (germline): Uncertain significance (1 of 4 stars; one submission).

Conditions:
Nemaline myopathy 2 (NEM2). Also called: Nemaline myopathy 2, autosomal recessive. Identifiers: MedGen C1850569, MONDO:0009725, OMIM 256030.

Submission:

Labcorp Genetics (formerly Invitae), Labcorp
Classification: Uncertain significance for Nemaline myopathy 2. Last evaluated: 2024-12-10. Review status: criteria provided, single submitter. Criteria: Invitae Variant Classification Sherloc (09022015). Collection method: clinical testing. Allele origin: germline.
Comment: This sequence change replaces serine, which is neutral and polar, with isoleucine, which is neutral and non-polar, at codon 5670 of the NEB protein (p.Ser5670Ile). This variant is not present in population databases (gnomAD no frequency). This variant has not been reported in the literature in individuals affected with NEB-related conditions. Experimental studies and prediction algorithms are not available or were not evaluated, and the functional significance of this variant is currently unknown. In summary, the available evidence is currently insufficient to determine the role of this variant in disease. Therefore, it has been classified as a Variant of Uncertain Significance.